The following is an entry in ClinVar:

NM_006267.5(RANBP2):c.1955T>C (p.Ile652Thr)

Gene: RANBP2 (RAN binding protein 2; plus strand). Cytogenetic location: 2q13.
Variant type: single nucleotide variant.
Coding change: c.1955T>C on transcript NM_006267.5 (MANE Select); coding-DNA position 1955, T replaced by C.
Protein change: p.Ile652Thr; replaces isoleucine 652 with threonine.
Molecular consequence: missense variant.
Genome position (GRCh38, 1-based): chr2:108,753,463, T>C. VCF-style: chr2-108753463-T-C. GRCh37 (hg19) VCF-style: chr2-109369919-T-C.
Other names: short protein forms I652T.
Identifiers: ClinVar variation 1329525 (VCV001329525.2), dbSNP rs2149232531, ClinGen allele CA348052958.
Genomic context (GRCh38, chr2:108,753,463, plus strand): 5'-TAAAAACTATTCTGTGTGTTTAGGCATCAGAAATTGTTGAATATGAAGAAGACGCACACA[T>C]AACTTTTGCTATATTGGATGCAGTAAATGGAAATATAGAAGATGCTGTGACTGCTTTTGA-3'
Protein context (NP_006258.3, residues 642-662): EIVEYEEDAH[Ile652Thr]TFAILDAVNG

ClinVar aggregate classification (germline): Uncertain significance (1 of 4 stars; one submission).

Submission:

GeneDx
Classification: Uncertain significance. Last evaluated: 2021-06-22. Review status: criteria provided, single submitter. Criteria: GeneDx Variant Classification Process June 2021. Collection method: clinical testing. Allele origin: germline. Affected: yes.
Comment: Not observed at significant frequency in large population cohorts (Lek et al., 2016); In silico analysis supports that this missense variant has a deleterious effect on protein structure/function; Has not been previously published as pathogenic or benign to our knowledge; This variant is associated with the following publications: (PMID: 27535533)